The following is an entry in ClinVar:

ClinVar aggregate classification (germline): Likely pathogenic. Review status: criteria provided, multiple submitters, no conflicts (2 of 4 stars). 2 submissions from 2 submitters: Likely pathogenic (2). Last evaluated 2024-01-16.

Conditions:
Early-infantile DEE. Also called: Early infantile epileptic encephalopathy; Ohtahara syndrome; Early infantile epileptic encephalopathy with suppression bursts. Identifiers: Orphanet 1934, MedGen C0393706, MONDO:0800491.

Allele frequency attached by ClinVar (database versions not stated): TOPMed below 0.00001; gnomAD 0.00001.
gnomAD v4.1: 3 of 1,609,758 alleles (0.00019%); highest among the groups gnomAD compares: African/African-American, 0.0027%; no homozygotes.

Submissions (2):

Labcorp Genetics (formerly Invitae), Labcorp
Classification: Likely pathogenic for Early-infantile DEE. Last evaluated: 2024-01-16. Review status: criteria provided, single submitter. Criteria: Invitae Variant Classification Sherloc (09022015). Collection method: clinical testing. Allele origin: germline.
Comment: This sequence change affects a donor splice site in intron 25 of the CACNA2D2 gene. It is expected to disrupt RNA splicing. Variants that disrupt the donor or acceptor splice site typically lead to a loss of protein function (PMID: 16199547), and loss-of-function variants in CACNA2D2 are known to be pathogenic (PMID: 24358150). This variant is present in population databases (rs749539763, gnomAD 0.0009%). This variant has not been reported in the literature in individuals affected with CACNA2D2-related conditions. ClinVar contains an entry for this variant (Variation ID: 871252). Algorithms developed to predict the effect of sequence changes on RNA splicing suggest that this variant may disrupt the consensus splice site. In summary, the currently available evidence indicates that the variant is pathogenic, but additional data are needed to prove that conclusively. Therefore, this variant has been classified as Likely Pathogenic.

CeGaT Center for Human Genetics Tuebingen
Classification: Likely pathogenic. Last evaluated: 2020-01-01. Review status: criteria provided, single submitter. Criteria: CeGaT Center For Human Genetics Tuebingen Variant Classification Criteria Version 2. Collection method: clinical testing. Allele origin: germline. Affected: yes. Observed: 3 variant alleles.

Literature cited by the submitters: PubMed 16199547 (cited by Labcorp Genetics (formerly Invitae), Labcorp); PubMed 24358150 (cited by Labcorp Genetics (formerly Invitae), Labcorp).

NM_006030.4(CACNA2D2):c.2234+1G>A

Genes: CACNA2D2 (calcium voltage-gated channel auxiliary subunit alpha2delta 2; minus strand), LOC101928965 (uncharacterized LOC101928965; plus strand), LOC127898564 (CYB561D2-LOC101928965; plus strand). Cytogenetic location: 3p21.31.
Variant type: single nucleotide variant.
Coding change: c.2234+1G>A on transcript NM_006030.4 (MANE Select); the canonical splice donor site of the intron after coding-DNA position 2234, G replaced by A.
Molecular consequence: splice donor variant. On other transcripts: non-coding transcript variant (10).
Genome position (GRCh38, 1-based): chr3:50,367,811, C>T on the plus strand (G>A on the coding strand, the complement: CACNA2D2 is on the minus strand). VCF-style: chr3-50367811-C-T. GRCh37 (hg19) VCF-style: chr3-50405242-C-T.
Other names: c.2255+1G>A (NM_001174051.3); c.2027+1G>A (NM_001291101.1); c.2234+1G>A (NM_001005505.3, NM_001410768.1).
Identifiers: ClinVar variation 871252 (VCV000871252.47), dbSNP rs749539763, ClinGen allele CA2418558.
Genomic context (GRCh38, chr3:50,367,811, plus strand): 5'-CAGGTCCAGGGCCTCTGGGCCCATCCTAGCCTTCTGCCCCCACAGGCTGGGTGATGCCTA[C>T]GTGTTGAGATCCTGGTCCCTCCACACACGCTCTACCAGCTGCTGCGTGATGCCCGTGTCC-3'